The following is an entry in ClinVar:

ClinVar aggregate classification (germline): Uncertain significance (1 of 4 stars; one submission).

Conditions:
Neurofibromatosis, type 1 (NF1). Also called: VON RECKLINGHAUSEN DISEASE; Peripheral type neurofibromatosis; Neurofibromatosis, type I; NEUROFIBROMATOSIS, TYPE I, SOMATIC. Identifiers: Orphanet 636, MedGen C0027831, MONDO:0018975, OMIM 162200. Disease mechanism: loss of function.

Submission:

Labcorp Genetics (formerly Invitae), Labcorp
Classification: Uncertain significance for Neurofibromatosis, type 1. Last evaluated: 2022-12-31. Review status: criteria provided, single submitter. Criteria: Invitae Variant Classification Sherloc (09022015). Collection method: clinical testing. Allele origin: germline.
Comment: This sequence change falls in intron 4 of the NF1 gene. It does not directly change the encoded amino acid sequence of the NF1 protein. It affects a nucleotide within the consensus splice site. In summary, the available evidence is currently insufficient to determine the role of this variant in disease. Therefore, it has been classified as a Variant of Uncertain Significance. Variants that disrupt the consensus splice site are a relatively common cause of aberrant splicing (PMID: 17576681, 9536098). Algorithms developed to predict the effect of sequence changes on RNA splicing suggest that this variant is not likely to affect RNA splicing. This variant has not been reported in the literature in individuals affected with NF1-related conditions. This variant is not present in population databases (gnomAD no frequency).

Literature cited by the submitters: PubMed 17576681; PubMed 9536098.

NM_001042492.3(NF1):c.480-3del

Gene: NF1 (neurofibromin 1; plus strand). Cytogenetic location: 17q11.2.
Variant type: Deletion.
Coding change: c.480-3del on transcript NM_001042492.3 (MANE Select); 3 bases into the intron before coding-DNA position 480, one base deleted (T; older notation c.480-3delT).
Molecular consequence: intron variant.
Genome position (GRCh38, 1-based): chr17:31,169,888, T deleted; the last of 5 consecutive T bases (chr17:31,169,884-31,169,888); deleting any one gives the same sequence. VCF-style (leftmost placement, unchanged base first): chr17-31169883-CT-C. GRCh37 (hg19) VCF-style: chr17-29496901-CT-C.
Other names: c.480-3del (NM_000267.4, NM_001128147.3).
Identifiers: ClinVar variation 2825603 (VCV002825603.3), dbSNP rs2143706767, ClinGen allele CA2739267319.